The following is an entry in ClinVar:

NM_000051.4(ATM):c.5789A>G (p.Asp1930Gly)

Genes: ATM (ATM serine/threonine kinase; plus strand), C11orf65 (chromosome 11 open reading frame 65; minus strand). Cytogenetic location: 11q22.3.
Variant type: single nucleotide variant.
Coding change: c.5789A>G on transcript NM_000051.4 (MANE Select); coding-DNA position 5789, A replaced by G.
Protein change: p.Asp1930Gly; replaces aspartic acid 1930 with glycine.
Molecular consequence: missense variant. On other transcripts: intron variant (2).
Genome position (GRCh38, 1-based): chr11:108,310,186, A>G. VCF-style: chr11-108310186-A-G. GRCh37 (hg19) VCF-style: chr11-108180913-A-G.
Other names: c.5789A>G, p.Asp1930Gly (NM_001351834.2); c.641-1115T>C (NM_001330368.2); c.*39-1115T>C (NM_001351110.2); short protein forms D1930G.
Identifiers: ClinVar variation 926004 (VCV000926004.6), dbSNP rs2084024488, ClinGen allele CA382548327.

ClinVar aggregate classification (germline): Uncertain significance. Review status: criteria provided, multiple submitters, no conflicts (2 of 4 stars). 2 submissions from 2 submitters: Uncertain significance (2). Last evaluated 2025-07-08.

Conditions:
Hereditary cancer-predisposing syndrome. Also called: Tumor predisposition; Neoplastic Syndromes, Hereditary; Hereditary neoplastic syndrome; Hereditary Cancer Syndrome. Identifiers: Orphanet 140162, MedGen C0027672, MeSH D009386, MONDO:0015356.

Submissions (2):

Ambry Genetics
Classification: Uncertain significance for Hereditary cancer-predisposing syndrome. Last evaluated: 2025-07-08. Review status: criteria provided, single submitter. Criteria: Ambry Variant Classification Scheme 2023. Collection method: clinical testing. Allele origin: germline.
Comment: The p.D1930G variant (also known as c.5789A>G), located in coding exon 38 of the ATM gene, results from an A to G substitution at nucleotide position 5789. The aspartic acid at codon 1930 is replaced by glycine, an amino acid with similar properties. This amino acid position is well conserved in available vertebrate species. In addition, the in silico prediction for this alteration is inconclusive. Based on the available evidence, the clinical significance of this variant remains unclear.

Color Diagnostics, LLC DBA Color Health
Classification: Uncertain significance for Hereditary cancer-predisposing syndrome. Last evaluated: 2019-12-06. Review status: criteria provided, single submitter. Criteria: ACMG Guidelines, 2015. Collection method: clinical testing. Allele origin: germline.
Comment: This missense variant replaces aspartic acid with glycine at codon 1930 of the ATM protein. Computational prediction suggests that this variant may not impact protein structure and function (internally defined REVEL score threshold <= 0.5, PMID: 27666373). Splice site prediction tools suggest that this variant may not impact RNA splicing. To our knowledge, functional studies have not been performed for this variant. This variant has not been reported in individuals affected with hereditary cancer in the literature. This variant has not been identified in the general population by the Genome Aggregation Database (gnomAD). The available evidence is insufficient to determine the role of this variant in disease conclusively. Therefore, this variant is classified as a Variant of Uncertain Significance.